The following is an entry in ClinVar:

NM_015340.4(LARS2):c.2617A>G (p.Ser873Gly)

Gene: LARS2 (leucyl-tRNA synthetase 2, mitochondrial; plus strand). Cytogenetic location: 3p21.31.
Variant type: single nucleotide variant.
Coding change: c.2617A>G on transcript NM_015340.4 (MANE Select); coding-DNA position 2617, A replaced by G.
Protein change: p.Ser873Gly; replaces serine 873 with glycine.
Molecular consequence: missense variant.
Genome position (GRCh38, 1-based): chr3:45,547,435, A>G. VCF-style: chr3-45547435-A-G. GRCh37 (hg19) VCF-style: chr3-45588927-A-G.
Other names: c.2617A>G, p.Ser873Gly (NM_001368263.1); short protein forms S873G.
Identifiers: ClinVar variation 4743363 (VCV004743363.1).

ClinVar aggregate classification (germline): Uncertain significance (1 of 4 stars; one submission).

Submission:

Labcorp Genetics (formerly Invitae), Labcorp
Classification: Uncertain significance. Last evaluated: 2025-10-23. Review status: criteria provided, single submitter. Criteria: Invitae Variant Classification Sherloc (09022015). Collection method: clinical testing. Allele origin: germline.
Comment: This sequence change replaces serine, which is neutral and polar, with glycine, which is neutral and non-polar, at codon 873 of the LARS2 protein (p.Ser873Gly). This variant is not present in population databases (gnomAD no frequency). This variant has not been reported in the literature in individuals affected with LARS2-related conditions. Invitae Evidence Modeling of protein sequence and biophysical properties (such as structural, functional, and spatial information, amino acid conservation, physicochemical variation, residue mobility, and thermodynamic stability) indicates that this missense variant is expected to disrupt LARS2 protein function with a positive predictive value of 80%. In summary, the available evidence is currently insufficient to determine the role of this variant in disease. Therefore, it has been classified as a Variant of Uncertain Significance.